The following is an entry in ClinVar:

ClinVar aggregate classification (germline): Uncertain significance. Review status: criteria provided, multiple submitters, no conflicts (2 of 4 stars). 2 submissions from 2 submitters: Uncertain significance (2). Last evaluated 2026-10-24.

Conditions:
Inborn genetic diseases. Identifiers: MedGen C0950123, MeSH D030342.

gnomAD v4.1: 2 of 1,613,970 alleles (0.00012%); no homozygotes.

Submissions (2):

GeneDx
Classification: Uncertain significance. Last evaluated: 2026-10-24. Review status: criteria provided, single submitter. Criteria: GeneDx Variant Classification Process June 2021. Collection method: clinical testing. Allele origin: germline.
Comment: Not observed at significant frequency in large population cohorts (gnomAD); In silico analysis supports that this missense variant has a deleterious effect on protein structure/function; Has not been previously published as pathogenic or benign to our knowledge

Ambry Genetics
Classification: Uncertain significance for Inborn genetic diseases. Last evaluated: 2024-12-31. Review status: criteria provided, single submitter. Criteria: Ambry Variant Classification Scheme 2023. Collection method: clinical testing. Allele origin: germline.

NM_001379081.2(FREM1):c.883C>G (p.Pro295Ala)

Gene: FREM1 (FRAS1 related extracellular matrix 1; minus strand). Cytogenetic location: 9p22.3.
Variant type: single nucleotide variant.
Coding change: c.883C>G on transcript NM_001379081.2 (MANE Select); coding-DNA position 883, C replaced by G.
Protein change: p.Pro295Ala; replaces proline 295 with alanine.
Molecular consequence: missense variant. On other transcripts: non-coding transcript variant (4).
Genome position (GRCh38, 1-based): chr9:14,851,553, G>C on the plus strand (C>G on the coding strand, the complement: FREM1 is on the minus strand). VCF-style: chr9-14851553-G-C. GRCh37 (hg19) VCF-style: chr9-14851551-G-C.
Other names: c.910C>G, p.Pro304Ala (NM_001370060.1); c.883C>G, p.Pro295Ala (NM_001370063.1, NM_001370065.1, NM_144966.7); short protein forms P295A, P304A.
Identifiers: ClinVar variation 3253451 (VCV003253451.3), dbSNP rs373156235.
Genomic context (GRCh38, chr9:14,851,553, plus strand): 5'-AGGAGGTCAGGATGAACTGATCCACTTCCAGAATAAACACGGCCATGAATGCAGCCTTTG[G>C]AATCTGATTCGGAATTCCAGCTCTGATATAGACAGGCAGCCACGCACTCTCTGACTTTTG-3'
Protein context (NP_001366010.1, residues 285-305): YIRAGIPNQI[Pro295Ala]KAAFMAVFIL